The following is an entry in ClinVar:

NM_016239.4(MYO15A):c.2174del (p.Pro725fs)

Gene: MYO15A (myosin XVA; plus strand). Cytogenetic location: 17p11.2.
Variant type: Deletion.
Coding change: c.2174del on transcript NM_016239.4 (MANE Select); coding-DNA position 2174, one base deleted (C; older notation c.2174delC).
Protein change: p.Pro725fs; shifts the reading frame from proline 725.
Molecular consequence: frameshift variant.
Genome position (GRCh38, 1-based): chr17:18,120,974, C deleted; the last of 5 consecutive C bases (chr17:18,120,970-18,120,974); deleting any one gives the same sequence. VCF-style (leftmost placement, unchanged base first): chr17-18120969-GC-G. GRCh37 (hg19) VCF-style: chr17-18024283-GC-G.
Other names: short protein forms P725fs.
Identifiers: ClinVar variation 3381866 (VCV003381866.3).
Genomic context (GRCh38, chr17:18,120,969, plus strand): 5'-CTGGGCCGCCCCAGCGCACGTGCCACCGGCGCCGCAGGCCAGCTGGTGGGCCTTCGTGGA[GC>G]CCCCTGCCGTGAGCCCGGAGGTGCCCCCCGACCTACTAGCCTTCCCAGGGCCCCGACCCT-3'

ClinVar aggregate classification (germline): Likely pathogenic (1 of 4 stars; one submission).

Conditions:
Autosomal recessive nonsyndromic hearing loss 3. Also called: NEUROSENSORY NONSYNDROMIC RECESSIVE DEAFNESS 3. Identifiers: Orphanet 90636, MedGen C1838263, MONDO:0010860, OMIM 600316.

Submission:

Juno Genomics, Hangzhou Juno Genomics, Inc
Classification: Likely pathogenic for Autosomal recessive nonsyndromic hearing loss 3. Review status: criteria provided, single submitter. Criteria: ACMG Guidelines, 2015. Collection method: clinical testing. Allele origin: germline.
Comment: Null variant in a gene where loss of function (LOF) is a known mechanism of disease.